The following is an entry in ClinVar:

NM_004618.5(TOP3A):c.2269_2323del (p.Pro757fs)

Gene: TOP3A (DNA topoisomerase III alpha; minus strand). Cytogenetic location: 17p11.2.
Variant type: Deletion.
Coding change: c.2269_2323del on transcript NM_004618.5 (MANE Select); coding-DNA positions 2269 to 2323, 55 bases deleted.
Protein change: p.Pro757fs; shifts the reading frame from proline 757.
Molecular consequence: frameshift variant.
Genome position (GRCh38, 1-based): chr17:18,278,179-18,278,233, 55 bases deleted. GRCh37 (hg19): chr17:18,181,493-18,181,547.
Other names: c.1984_2038del, p.Pro662fs (NM_001320759.2); c.2269_2323del55 (NM_004618.4); short protein forms P662fs, P757fs.
Identifiers: ClinVar variation 4716914 (VCV004716914.2).

ClinVar aggregate classification (germline): Pathogenic/Likely pathogenic. Review status: criteria provided, multiple submitters, no conflicts (2 of 4 stars). 2 submissions from 2 submitters: Pathogenic (1); Likely pathogenic (1). Last evaluated 2025-05-19.

Conditions:
TOP3A-related disorder. Also called: TOP3A-related disorders; TOP3A-related condition.

Submissions (2):

PreventionGenetics, part of Exact Sciences
Classification: Likely pathogenic for TOP3A-related condition. Last evaluated: 2025-05-19. Review status: criteria provided, single submitter. Criteria: ACMG Guidelines, 2015. Collection method: clinical testing. Allele origin: germline.
Comment: The TOP3A c.2269_2323del55 variant is predicted to result in a frameshift and premature protein termination (p.Pro757Trpfs*37). To our knowledge, this variant has not been reported in the literature or in a large population database (gnomAD), indicating this variant is rare. Loss of function variants in TEP3A are expected to be pathogenic. This variant is interpreted as likely pathogenic.

Labcorp Genetics (formerly Invitae), Labcorp
Classification: Pathogenic. Last evaluated: 2025-04-08. Review status: criteria provided, single submitter. Criteria: Invitae Variant Classification Sherloc (09022015). Collection method: clinical testing. Allele origin: germline.
Comment: This sequence change creates a premature translational stop signal (p.Pro757Trpfs*37) in the TOP3A gene. It is expected to result in an absent or disrupted protein product. Loss-of-function variants in TOP3A are known to be pathogenic (PMID: 30057030). This variant is not present in population databases (gnomAD no frequency). This variant has not been reported in the literature in individuals affected with TOP3A-related conditions. For these reasons, this variant has been classified as Pathogenic.

Literature cited by the submitters: PubMed 30057030 (cited by Labcorp Genetics (formerly Invitae), Labcorp).